The following is an entry in ClinVar:

ClinVar aggregate classification (germline): Uncertain significance (0 of 4 stars; one submission).

Conditions:
NDP-related disorder. Also called: NDP-related condition.

Submission:

PreventionGenetics, part of Exact Sciences
Classification: Uncertain significance for NDP-related condition. Last evaluated: 2023-11-21. Review status: no assertion criteria provided. Collection method: clinical testing. Allele origin: germline.
Comment: The NDP c.-208G>C variant is located in the 5' untranslated region. This variant affects the last nucleotide of the non-coding exon of NDP and based on available splicing prediction programs, this variant is predicted to have a moderate effect on the adjacent splice site (Alamut Visual Plus v.1.6.1). To our knowledge, this variant has not been reported in the literature or in a large population database, indicating this variant is rare. Variants of nearby nucleotides which are predicted to affect the same splice site (c.-208+2T>G and c.-208+5G>A) have been reported in individuals with Norrie disease (Nikopoulos et al. 2010. PubMed ID: 20340138). At this time, the clinical significance of the c.-208G>C variant is uncertain due to the absence of conclusive functional and genetic evidence.

NM_000266.4(NDP):c.-208G>C

Gene: NDP (norrin cystine knot growth factor NDP; minus strand). Cytogenetic location: Xp11.3.
Variant type: single nucleotide variant.
Coding change: c.-208G>C on transcript NM_000266.4 (MANE Select); 208 bases upstream of the start codon, G replaced by C.
Molecular consequence: 5 prime UTR variant.
Genome position (GRCh38, 1-based): chrX:43,973,304, C>G on the plus strand (G>C on the coding strand, the complement: NDP is on the minus strand). VCF-style: chrX-43973304-C-G. GRCh37 (hg19) VCF-style: chrX-43832550-C-G.
Identifiers: ClinVar variation 3034455 (VCV003034455.2), dbSNP rs2519328899, ClinGen allele CA2740092115.